The following is an entry in ClinVar:

NM_000834.5(GRIN2B):c.1013A>G (p.Tyr338Cys)

Gene: GRIN2B (glutamate ionotropic receptor NMDA type subunit 2B; minus strand). Cytogenetic location: 12p13.1.
Variant type: single nucleotide variant.
Coding change: c.1013A>G on transcript NM_000834.5 (MANE Select); coding-DNA position 1013, A replaced by G.
Protein change: p.Tyr338Cys; replaces tyrosine 338 with cysteine.
Molecular consequence: missense variant.
Genome position (GRCh38, 1-based): chr12:13,675,857, T>C on the plus strand (A>G on the coding strand, the complement: GRIN2B is on the minus strand). VCF-style: chr12-13675857-T-C. GRCh37 (hg19) VCF-style: chr12-13828791-T-C.
Other names: c.1013A>G, p.Tyr338Cys (NM_001413992.1); short protein forms Y338C.
Identifiers: ClinVar variation 2110032 (VCV002110032.4), dbSNP rs2497684784, ClinGen allele CA384051025.

ClinVar aggregate classification (germline): Uncertain significance (1 of 4 stars; one submission).

Conditions:
Developmental and epileptic encephalopathy, 27 (DEE27). Also called: GRIN2B-Related Neurodevelopmental Disorder; Epileptic encephalopathy, early infantile, 27. Identifiers: Orphanet 3451, MedGen C4015316, MONDO:0014505, OMIM 616139.
Intellectual developmental disorder, autosomal dominant 6, with or without seizures. Also called: Intellectual disability, autosomal dominant 6; GRIN2B-related developmental delay, intellectual disability and autism spectrum disorder. Identifiers: Orphanet 589547, MedGen C3151411, MONDO:0013509, OMIM 613970.

Submission:

Labcorp Genetics (formerly Invitae), Labcorp
Classification: Uncertain significance for Developmental and epileptic encephalopathy, 27; Intellectual developmental disorder, autosomal dominant 6, with or without seizures. Last evaluated: 2022-03-12. Review status: criteria provided, single submitter. Criteria: Invitae Variant Classification Sherloc (09022015). Collection method: clinical testing. Allele origin: germline.
Comment: This variant is not present in population databases (gnomAD no frequency). This variant has not been reported in the literature in individuals affected with GRIN2B-related conditions. Algorithms developed to predict the effect of missense changes on protein structure and function (SIFT, PolyPhen-2, Align-GVGD) all suggest that this variant is likely to be disruptive. In summary, the available evidence is currently insufficient to determine the role of this variant in disease. Therefore, it has been classified as a Variant of Uncertain Significance. This sequence change replaces tyrosine, which is neutral and polar, with cysteine, which is neutral and slightly polar, at codon 338 of the GRIN2B protein (p.Tyr338Cys).